The following is an entry in ClinVar:

NM_000062.3(SERPING1):c.686-7C>G

Gene: SERPING1 (serpin family G member 1; plus strand). Cytogenetic location: 11q12.1.
Variant type: single nucleotide variant.
Coding change: c.686-7C>G on transcript NM_000062.3 (MANE Select); 7 bases into the intron before coding-DNA position 686, C replaced by G.
Molecular consequence: intron variant.
Genome position (GRCh38, 1-based): chr11:57,606,003, C>G. VCF-style: chr11-57606003-C-G. GRCh37 (hg19) VCF-style: chr11-57373476-C-G.
Other names: c.686-7C>G (NM_001032295.2).
Identifiers: ClinVar variation 2032984 (VCV002032984.4), dbSNP rs1360867871, ClinGen allele CA2580084324.

ClinVar aggregate classification (germline): Uncertain significance (1 of 4 stars; one submission).

Submission:

Labcorp Genetics (formerly Invitae), Labcorp
Classification: Uncertain significance. Last evaluated: 2022-09-27. Review status: criteria provided, single submitter. Criteria: Invitae Variant Classification Sherloc (09022015). Collection method: clinical testing. Allele origin: germline.
Comment: In summary, the available evidence is currently insufficient to determine the role of this variant in disease. Therefore, it has been classified as a Variant of Uncertain Significance. Algorithms developed to predict the effect of sequence changes on RNA splicing suggest that this variant may disrupt the consensus splice site. This variant has not been reported in the literature in individuals affected with SERPING1-related conditions. This variant is not present in population databases (gnomAD no frequency). This sequence change falls in intron 4 of the SERPING1 gene. It does not directly change the encoded amino acid sequence of the SERPING1 protein.